The following is an entry in ClinVar:

NM_001206927.2(DNAH8):c.12753_12756del (p.Asn4251fs)

Gene: DNAH8 (dynein axonemal heavy chain 8; plus strand). Cytogenetic location: 6p21.2.
Variant type: Deletion.
Coding change: c.12753_12756del on transcript NM_001206927.2 (MANE Select); coding-DNA positions 12753 to 12756, 4 bases deleted (TCAA; older notation c.12753_12756delTCAA).
Protein change: p.Asn4251fs; shifts the reading frame from asparagine 4251.
Molecular consequence: frameshift variant.
Genome position (GRCh38, 1-based): chr6:38,974,448-38,974,451, TCAA deleted; deleting any 4 consecutive bases within chr6:38,974,446-38,974,451 gives the same sequence; the c. name uses the placement nearest the transcript's 3' end. VCF-style (leftmost placement, unchanged base first): chr6-38974445-TAATC-T. GRCh37 (hg19) VCF-style: chr6-38942221-TAATC-T.
Other names: c.12102_12105del, p.Asn4034fs (NM_001371.4); c.12753_12756delTCAA (NM_001206927.2); short protein forms N4034fs, N4251fs.
Identifiers: ClinVar variation 4849316 (VCV004849316.1).

ClinVar aggregate classification (germline): Pathogenic (1 of 4 stars; one submission).

Conditions:
Spermatogenic failure 46. Identifiers: MedGen C5436799, MONDO:0033673, OMIM 619095.

Submission:

First Genomix Gene Laboratory, Genetic Diagnostics Department
Classification: Pathogenic for Spermatogenic failure 46. Last evaluated: 2025-07-21. Review status: criteria provided, single submitter. Criteria: ACMG Guidelines, 2015. Collection method: clinical testing. Allele origin: germline. Inheritance: Autosomal recessive inheritance. Affected: no. Observed: 1 variant allele.